The following is an entry in ClinVar:

ClinVar aggregate classification (germline): Uncertain significance (1 of 4 stars; one submission).

Conditions:
Peroxisome biogenesis disorder. Identifiers: Orphanet 79189, MedGen C1832200, MONDO:0019234. Disease mechanism: loss of function.

Submission:

Labcorp Genetics (formerly Invitae), Labcorp
Classification: Uncertain significance for Peroxisome biogenesis disorder. Last evaluated: 2021-10-04. Review status: criteria provided, single submitter. Criteria: Invitae Variant Classification Sherloc (09022015). Collection method: clinical testing. Allele origin: germline.
Comment: This variant is not present in population databases (ExAC no frequency). In summary, the available evidence is currently insufficient to determine the role of this variant in disease. Therefore, it has been classified as a Variant of Uncertain Significance. Nucleotide substitutions within the consensus splice site are a relatively common cause of aberrant splicing (PMID: 17576681, 9536098). Algorithms developed to predict the effect of sequence changes on RNA splicing suggest that this variant may disrupt the consensus splice site, but this prediction has not been confirmed by published transcriptional studies. This variant has not been reported in the literature in individuals with PEX6-related conditions. This sequence change falls in intron 6 of the PEX6 gene. It does not directly change the encoded amino acid sequence of the PEX6 protein. It affects a nucleotide within the consensus splice site of the intron.

Literature cited by the submitters: PubMed 17576681; PubMed 9536098.

NM_000287.4(PEX6):c.1479+4A>T

Gene: PEX6 (peroxisomal biogenesis factor 6; minus strand). Cytogenetic location: 6p21.1.
Variant type: single nucleotide variant.
Coding change: c.1479+4A>T on transcript NM_000287.4 (MANE Select); 4 bases into the intron after coding-DNA position 1479, A replaced by T.
Molecular consequence: intron variant.
Genome position (GRCh38, 1-based): chr6:42,968,870, T>A on the plus strand (A>T on the coding strand, the complement: PEX6 is on the minus strand). VCF-style: chr6-42968870-T-A. GRCh37 (hg19) VCF-style: chr6-42936608-T-A.
Other names: c.1215+4A>T (NM_001316313.2).
Identifiers: ClinVar variation 1479708 (VCV001479708.6), dbSNP rs2114245810, ClinGen allele CA2573140764.